The following is an entry in ClinVar:

NM_016653.3(MAP3K20):c.1476+2T>A

Genes: MAP3K20 (mitogen-activated protein kinase kinase kinase 20; plus strand), MAP3K20-AS1 (MAP3K20 antisense RNA 1; minus strand). Cytogenetic location: 2q31.1.
Variant type: single nucleotide variant.
Coding change: c.1476+2T>A on transcript NM_016653.3 (MANE Select); the canonical splice donor site of the intron after coding-DNA position 1476, T replaced by A.
Molecular consequence: splice donor variant.
Genome position (GRCh38, 1-based): chr2:173,258,817, T>A. VCF-style: chr2-173258817-T-A. GRCh37 (hg19) VCF-style: chr2-174123545-T-A.
Identifiers: ClinVar variation 1928902 (VCV001928902.5), dbSNP rs748881862, ClinGen allele CA1970854.

ClinVar aggregate classification (germline): Likely pathogenic (1 of 4 stars; one submission).

Allele frequency attached by ClinVar (database versions not stated): gnomAD exomes below 0.00001; TOPMed below 0.00001; gnomAD 0.00001; ExAC 0.00002; 1000 Genomes Project 30x 0.00016.
gnomAD v4.1: 5 of 1,570,280 alleles (0.00032%); highest among the groups gnomAD compares: East Asian, 0.011%; no homozygotes.

Submission:

Labcorp Genetics (formerly Invitae), Labcorp
Classification: Likely pathogenic. Last evaluated: 2022-03-28. Review status: criteria provided, single submitter. Criteria: Invitae Variant Classification Sherloc (09022015). Collection method: clinical testing. Allele origin: germline.
Comment: This sequence change affects a donor splice site in intron 17 of the MAP3K20 gene. It is expected to disrupt RNA splicing. Variants that disrupt the donor or acceptor splice site typically lead to a loss of protein function (PMID: 16199547), and loss-of-function variants in MAP3K20 are known to be pathogenic (PMID: 27816943). This variant is present in population databases (rs748881862, gnomAD 0.01%). This variant has not been reported in the literature in individuals affected with MAP3K20-related conditions. Algorithms developed to predict the effect of sequence changes on RNA splicing suggest that this variant may disrupt the consensus splice site. In summary, the currently available evidence indicates that the variant is pathogenic, but additional data are needed to prove that conclusively. Therefore, this variant has been classified as Likely Pathogenic.

Literature cited by the submitters: PubMed 16199547; PubMed 27816943.